The following is an entry in ClinVar:

NC_000015.9:g.(?_43893070)_(43903182_?)dup

Gene: STRC (stereocilin; minus strand). Cytogenetic location: 15q15.3.
Variant type: Duplication.
Identifiers: ClinVar variation 229270 (VCV000229270.5).

ClinVar aggregate classification (germline): Uncertain significance (1 of 4 stars; one submission).

Submission:

Laboratory for Molecular Medicine, Mass General Brigham Personalized Medicine
Classification: Uncertain significance. Last evaluated: 2015-06-16. Review status: criteria provided, single submitter. Criteria: LMM Criteria. Collection method: clinical testing. Allele origin: germline. Observed: 3 variant alleles.
Comment: The exon 14-25 duplication in STRC has not been previously reported in individua ls with hearing loss and data from population studies is insufficient to assess the frequency of this variant. The exact breakpoints and genomic location of the duplicated exons could not be determined due to limitations of the testing meth odology. Therefore, the impact of the duplication on the gene and the expressed protein is not clear. In summary, the clinical significance of the exon 14-25 du plication in STRC is uncertain.